The following is an entry in ClinVar:

NM_001385012.1(NBEA):c.8759T>A (p.Ile2920Asn)

Gene: NBEA (neurobeachin; plus strand). Cytogenetic location: 13q13.3.
Variant type: single nucleotide variant.
Coding change: c.8759T>A on transcript NM_001385012.1 (MANE Select); coding-DNA position 8759, T replaced by A.
Protein change: p.Ile2920Asn; replaces isoleucine 2920 with asparagine.
Molecular consequence: missense variant.
Genome position (GRCh38, 1-based): chr13:35,668,465, T>A. VCF-style: chr13-35668465-T-A. GRCh37 (hg19) VCF-style: chr13-36242602-T-A.
Other names: c.2075T>A, p.Ile692Asn (NM_001204197.3); c.8750T>A, p.Ile2917Asn (NM_001379245.1); c.8696T>A, p.Ile2899Asn (NM_015678.5); short protein forms I2899N, I2917N, I2920N, I692N.
Identifiers: ClinVar variation 3368826 (VCV003368826.1).

ClinVar aggregate classification (germline): Uncertain significance (1 of 4 stars; one submission).

Submission:

GeneDx
Classification: Uncertain significance. Last evaluated: 2024-02-07. Review status: criteria provided, single submitter. Criteria: GeneDx Variant Classification Process June 2021. Collection method: clinical testing. Allele origin: germline. Affected: yes.
Comment: Not observed at significant frequency in large population cohorts (gnomAD); In silico analysis supports that this missense variant has a deleterious effect on protein structure/function; Has not been previously published as pathogenic or benign to our knowledge